The following is an entry in ClinVar:

NM_000330.4(RS1):c.185-3C>T

Genes: CDKL5 (cyclin dependent kinase like 5; plus strand), RS1 (retinoschisin 1; minus strand). Cytogenetic location: Xp22.13.
Variant type: single nucleotide variant.
Coding change: c.185-3C>T on transcript NM_000330.4 (MANE Select); 3 bases into the intron before coding-DNA position 185, C replaced by T.
Molecular consequence: intron variant.
Genome position (GRCh38, 1-based): chrX:18,647,335, G>A on the plus strand (C>T on the coding strand, the complement: RS1 is on the minus strand). VCF-style: chrX-18647335-G-A. GRCh37 (hg19) VCF-style: chrX-18665455-G-A.
Other names: c.2797+1245G>A (NM_003159.3, NM_001037343.2).
Identifiers: ClinVar variation 2188035 (VCV002188035.1), dbSNP rs2239810, ClinGen allele CA10360718.

ClinVar aggregate classification (germline): Uncertain significance (1 of 4 stars; one submission).

Allele frequency attached by ClinVar (database versions not stated): gnomAD 0.00002; TOPMed 0.00001; ExAC 0.00003; gnomAD exomes 0.00005.
gnomAD v4.1: 58 of 1,207,947 alleles (0.0048%); highest among the groups gnomAD compares: East Asian, 0.15%; no homozygotes.

Submission:

Labcorp Genetics (formerly Invitae), Labcorp
Classification: Uncertain significance. Last evaluated: 2022-08-10. Review status: criteria provided, single submitter. Criteria: Invitae Variant Classification Sherloc (09022015). Collection method: clinical testing. Allele origin: germline.
Comment: This sequence change falls in intron 3 of the RS1 gene. It does not directly change the encoded amino acid sequence of the RS1 protein. It affects a nucleotide within the consensus splice site. This variant is present in population databases (rs2239810, gnomAD 0.02%). This variant has not been reported in the literature in individuals affected with RS1-related conditions. Variants that disrupt the consensus splice site are a relatively common cause of aberrant splicing (PMID: 17576681, 9536098). Algorithms developed to predict the effect of sequence changes on RNA splicing suggest that this variant is not likely to affect RNA splicing. In summary, the available evidence is currently insufficient to determine the role of this variant in disease. Therefore, it has been classified as a Variant of Uncertain Significance.

Literature cited by the submitters: PubMed 17576681; PubMed 9536098.